The following is an entry in ClinVar:

NM_017617.5(NOTCH1):c.463T>C (p.Cys155Arg)

Gene: NOTCH1 (notch receptor 1; minus strand). Cytogenetic location: 9q34.3.
Variant type: single nucleotide variant.
Coding change: c.463T>C on transcript NM_017617.5 (MANE Select); coding-DNA position 463, T replaced by C.
Protein change: p.Cys155Arg; replaces cysteine 155 with arginine.
Molecular consequence: missense variant.
Genome position (GRCh38, 1-based): chr9:136,523,129, A>G on the plus strand (T>C on the coding strand, the complement: NOTCH1 is on the minus strand). VCF-style: chr9-136523129-A-G. GRCh37 (hg19) VCF-style: chr9-139417581-A-G.
Other names: short protein forms C155R.
Identifiers: ClinVar variation 3899458 (VCV003899458.1).
Genomic context (GRCh38, chr9:136,523,129, plus strand): 5'-AGGTGGGGCCATGGAAGCTGGGTGGGCAGTGGCAGATGTAGGAGGCCTCGAAGGGCAGGC[A>G]CTGGCCACCGTTGGCGCAGGGGTTGGAGGCGCACGGGTCAGCCTGCTGGCACGATTTCCC-3'
Protein context (NP_060087.3, residues 145-165): ASNPCANGGQ[Cys155Arg]LPFEASYICH

ClinVar aggregate classification (germline): Uncertain significance (1 of 4 stars; one submission).

Submission:

GeneDx
Classification: Uncertain significance. Last evaluated: 2024-11-14. Review status: criteria provided, single submitter. Criteria: GeneDx Variant Classification Process June 2021. Collection method: clinical testing. Allele origin: germline. Affected: yes.
Comment: Not observed at significant frequency in large population cohorts (gnomAD); In silico analysis supports that this missense variant has a deleterious effect on protein structure/function; Has not been previously published as pathogenic or benign to our knowledge